The following is an entry in ClinVar:

NM_020376.4(PNPLA2):c.770G>A (p.Arg257Gln)

Gene: PNPLA2 (patatin like domain 2, triacylglycerol lipase; plus strand). Cytogenetic location: 11p15.5.
Variant type: single nucleotide variant.
Coding change: c.770G>A on transcript NM_020376.4 (MANE Select); coding-DNA position 770, G replaced by A.
Protein change: p.Arg257Gln; replaces arginine 257 with glutamine.
Molecular consequence: missense variant.
Genome position (GRCh38, 1-based): chr11:823,706, G>A. VCF-style: chr11-823706-G-A. GRCh37 (hg19) VCF-style: chr11-823706-G-A.
Other names: short protein forms R257Q.
Identifiers: ClinVar variation 1964864 (VCV001964864.4), dbSNP rs753134238, ClinGen allele CA5791178.

ClinVar aggregate classification (germline): Uncertain significance (1 of 4 stars; one submission).

Conditions:
Neutral lipid storage myopathy (NLSDM). Also called: NEUTRAL LIPID STORAGE DISEASE WITHOUT ICHTHYOSIS. Identifiers: Orphanet 98908, MedGen C1853136, MONDO:0012545, OMIM 610717.

Allele frequency attached by ClinVar (database versions not stated): ExAC 0.00002.
gnomAD v4.1: 26 of 1,607,494 alleles (0.0016%); highest among the groups gnomAD compares: East Asian, 0.0045%; no homozygotes.

Submission:

Labcorp Genetics (formerly Invitae), Labcorp
Classification: Uncertain significance for Neutral lipid storage myopathy. Last evaluated: 2022-05-18. Review status: criteria provided, single submitter. Criteria: Invitae Variant Classification Sherloc (09022015). Collection method: clinical testing. Allele origin: germline.
Comment: The frequency data for this variant in the population databases is considered unreliable, as metrics indicate poor data quality at this position in the gnomAD database. This sequence change replaces arginine, which is basic and polar, with glutamine, which is neutral and polar, at codon 257 of the PNPLA2 protein (p.Arg257Gln). This variant has not been reported in the literature in individuals affected with PNPLA2-related conditions. In summary, the available evidence is currently insufficient to determine the role of this variant in disease. Therefore, it has been classified as a Variant of Uncertain Significance. Algorithms developed to predict the effect of missense changes on protein structure and function output the following: SIFT: "Tolerated"; PolyPhen-2: "Benign"; Align-GVGD: "Class C0". The glutamine amino acid residue is found in multiple mammalian species, which suggests that this missense change does not adversely affect protein function.